The following is an entry in ClinVar:

NM_015662.3(IFT172):c.4585GAG[1] (p.Glu1530del)

Gene: IFT172 (intraflagellar transport 172; minus strand). Cytogenetic location: 2p23.3.
Variant type: Microsatellite.
Coding change: c.4585GAG[1] on transcript NM_015662.3 (MANE Select); one copy of the 3-base unit GAG starting at c.4585; the reference has two copies in a row; one copy, 3 bases deleted.
Protein change: p.Glu1530del; deletes glutamic acid 1530.
Molecular consequence: inframe deletion. On other transcripts: inframe indel (1).
Genome position (GRCh38, 1-based): chr2:27,447,584-27,447,586, CTC deleted on the plus strand (GAG on the coding strand, the reverse complement: IFT172 is on the minus strand); deleting any 3 consecutive bases within chr2:27,447,584-27,447,589 gives the same sequence; the position shown is the placement nearest the transcript's 3' end. VCF-style (leftmost placement, unchanged base first): chr2-27447583-ACTC-A. GRCh37 (hg19) VCF-style: chr2-27670450-ACTC-A.
Other names: c.4519_4521GAG[1], p.Glu1508del (NM_001410739.1); short protein forms E1530del, E1508del.
Identifiers: ClinVar variation 2227686 (VCV002227686.3), dbSNP rs1399222387, ClinGen allele CA531447282.

ClinVar aggregate classification (germline): Uncertain significance. Review status: criteria provided, multiple submitters, no conflicts (2 of 4 stars). 2 submissions from 2 submitters: Uncertain significance (2). Last evaluated 2020-10-29.

Conditions:
Inborn genetic diseases. Identifiers: MedGen C0950123, MeSH D030342.

Submissions (2):

Ambry Genetics
Classification: Uncertain significance for Inborn genetic diseases. Last evaluated: 2020-10-29. Review status: criteria provided, single submitter. Criteria: Ambry Variant Classification Scheme 2023. Collection method: clinical testing. Allele origin: germline.
Comment: The c.4588_4590delGAG (p.E1530del) alteration, located in exon 42 (coding exon 42) of the IFT172 gene, results from an in-frame deletion of 3 nucleotides at nucleotide positions 4588 and 4590. This results in the deletion of a glutamic acid residue at codon 1530. Based on data from the Genome Aggregation Database (gnomAD) database, the IFT172 c.4588_4590delGAG alteration was observed in <0.001% (2/282784) of total alleles studied, with a frequency of 0.004% (1/24948) in the African subpopulation. In addition, this alteration is predicted to be inconclusive by in silico analysis (Choi, 2012). Based on insufficient or conflicting evidence, the clinical significance of this alteration remains unclear.

Blueprint Genetics
Classification: Uncertain significance. Last evaluated: 2019-09-22. Review status: criteria provided, single submitter. Criteria: ACMG Guidelines, 2015. Collection method: clinical testing. Allele origin: germline.